The following is an entry in ClinVar:

ClinVar aggregate classification (germline): Uncertain significance (1 of 4 stars; one submission).

Allele frequency attached by ClinVar (database versions not stated): gnomAD 0.00001; gnomAD exomes 0.00001; TOPMed 0.00001.
gnomAD v4.1: 13 of 1,614,120 alleles (0.00081%); highest among the groups gnomAD compares: African/African-American, 0.0027%; no homozygotes.

Submission:

GeneDx
Classification: Uncertain significance. Last evaluated: 2022-04-05. Review status: criteria provided, single submitter. Criteria: GeneDx Variant Classification Process June 2021. Collection method: clinical testing. Allele origin: germline. Affected: yes.
Comment: Not observed at significant frequency in large population cohorts (gnomAD); In silico analysis supports that this missense variant does not alter protein structure/function; Has not been previously published as pathogenic or benign to our knowledge

NM_004183.4(BEST1):c.814G>A (p.Val272Ile)

Gene: BEST1 (bestrophin 1; plus strand). Cytogenetic location: 11q12.3.
Variant type: single nucleotide variant.
Coding change: c.814G>A on transcript NM_004183.4 (MANE Select); coding-DNA position 814, G replaced by A.
Protein change: p.Val272Ile; replaces valine 272 with isoleucine.
Molecular consequence: missense variant. On other transcripts: non-coding transcript variant (1).
Genome position (GRCh38, 1-based): chr11:61,958,245, G>A. VCF-style: chr11-61958245-G-A. GRCh37 (hg19) VCF-style: chr11-61725717-G-A.
Other names: c.634G>A, p.Val212Ile (NM_001139443.3, NM_001300786.2, NM_001300787.2); c.496G>A, p.Val166Ile (NM_001363591.3); c.814G>A, p.Val272Ile (NM_001363592.2); c.-362G>A (NM_001363593.3); short protein forms V166I, V212I, V272I.
Identifiers: ClinVar variation 1708685 (VCV001708685.2), dbSNP rs1336877707, ClinGen allele CA380839982.